The following is an entry in ClinVar:

NM_001130144.3(LTBP3):c.2266C>T (p.Pro756Ser)

Genes: LTBP3 (latent transforming growth factor beta binding protein 3; minus strand), LOC130006029 (ATAC-STARR-seq lymphoblastoid silent region 3532; plus strand). Cytogenetic location: 11q13.1.
Variant type: single nucleotide variant.
Coding change: c.2266C>T on transcript NM_001130144.3 (MANE Select); coding-DNA position 2266, C replaced by T.
Protein change: p.Pro756Ser; replaces proline 756 with serine.
Molecular consequence: missense variant.
Genome position (GRCh38, 1-based): chr11:65,546,529, G>A on the plus strand (C>T on the coding strand, the complement: LTBP3 is on the minus strand). VCF-style: chr11-65546529-G-A. GRCh37 (hg19) VCF-style: chr11-65314000-G-A.
Other names: c.1915C>T, p.Pro639Ser (NM_001164266.1); c.2266C>T, p.Pro756Ser (NM_021070.4); short protein forms P756S, P639S.
Identifiers: ClinVar variation 2995002 (VCV002995002.3), dbSNP rs2496147810, ClinGen allele CA381269754.

ClinVar aggregate classification (germline): Uncertain significance (1 of 4 stars; one submission).

Conditions:
Brachyolmia-amelogenesis imperfecta syndrome. Also called: Tooth agenesis, selective, 6; Dental anomalies and short stature; PLATYSPONDYLY WITH AMELOGENESIS IMPERFECTA. Identifiers: Orphanet 2899, MedGen C1832594, MONDO:0011018, OMIM 601216. Disease mechanism: loss of function.

Submission:

Labcorp Genetics (formerly Invitae), Labcorp
Classification: Uncertain significance for Brachyolmia-amelogenesis imperfecta syndrome. Last evaluated: 2023-12-13. Review status: criteria provided, single submitter. Criteria: Invitae Variant Classification Sherloc (09022015). Collection method: clinical testing. Allele origin: germline.
Comment: This sequence change replaces proline, which is neutral and non-polar, with serine, which is neutral and polar, at codon 756 of the LTBP3 protein (p.Pro756Ser). This variant is not present in population databases (gnomAD no frequency). This variant has not been reported in the literature in individuals affected with LTBP3-related conditions. An algorithm developed to predict the effect of missense changes on protein structure and function (PolyPhen-2) suggests that this variant is likely to be tolerated. In summary, the available evidence is currently insufficient to determine the role of this variant in disease. Therefore, it has been classified as a Variant of Uncertain Significance.